The following is an entry in ClinVar:

ClinVar aggregate classification (germline): Likely benign (1 of 4 stars; one submission).

Allele frequency attached by ClinVar (database versions not stated): 1000 Genomes Project 0.00200; 1000 Genomes Project 30x 0.00219; gnomAD 0.00320; ExAC 0.00355; TOPMed 0.00361; ESP Exome Variant Server 0.00431.
gnomAD v4.1: 8,241 of 1,503,916 alleles (0.55%); highest among the groups gnomAD compares: Non-Finnish European, 0.67%; 39 homozygotes.

Submission:

CeGaT Center for Human Genetics Tuebingen
Classification: Likely benign. Last evaluated: 2023-01-01. Review status: criteria provided, single submitter. Criteria: CeGaT Center For Human Genetics Tuebingen Variant Classification Criteria Version 2. Collection method: clinical testing. Allele origin: germline. Affected: yes. Observed: 1 variant allele.
Comment: FCHO1: BS2

NM_015122.3(FCHO1):c.28-32C>T

Gene: FCHO1 (FCH and mu domain containing endocytic adaptor 1; plus strand). Cytogenetic location: 19p13.11.
Variant type: single nucleotide variant.
Coding change: c.28-32C>T on transcript NM_015122.3 (MANE Select); 32 bases into the intron before coding-DNA position 28, C replaced by T.
Molecular consequence: intron variant.
Genome position (GRCh38, 1-based): chr19:17,762,730, C>T. VCF-style: chr19-17762730-C-T. GRCh37 (hg19) VCF-style: chr19-17873539-C-T.
Other names: c.28-32C>T (NM_001384370.1, NM_001384396.1, NM_001384404.1 and 30 more transcripts); c.-123-32C>T (NM_001384406.1, NM_001384407.1, NM_001384384.1 and 3 more transcripts).
Identifiers: ClinVar variation 2649554 (VCV002649554.24), dbSNP rs117245024, ClinGen allele CA9299948.
Genomic context (GRCh38, chr19:17,762,730, plus strand): 5'-GATGGACTTCTGCTCCTTGGCCACGCCCCCGTTGCTAAGCAACTATGATGTTCTCTCCAT[C>T]CTTTCTCAATCTCTATTCCCATCCCCTGCAGGGCGAGAAAAATCATGGCTTTGAGGTCCT-3'